The following is an entry in ClinVar:

NM_021076.4(NEFH):c.2347G>A (p.Glu783Lys)

Gene: NEFH (neurofilament heavy chain; plus strand). Cytogenetic location: 22q12.2.
Variant type: single nucleotide variant.
Coding change: c.2347G>A on transcript NM_021076.4 (MANE Select); coding-DNA position 2347, G replaced by A.
Protein change: p.Glu783Lys; replaces glutamic acid 783 with lysine.
Molecular consequence: missense variant.
Genome position (GRCh38, 1-based): chr22:29,489,987, G>A. VCF-style: chr22-29489987-G-A. GRCh37 (hg19) VCF-style: chr22-29885976-G-A.
Other names: short protein forms E783K.
Identifiers: ClinVar variation 1723770 (VCV001723770.2), dbSNP rs2063070621, ClinGen allele CA411137038.

ClinVar aggregate classification (germline): Uncertain significance (1 of 4 stars; one submission).

Submission:

GeneDx
Classification: Uncertain significance. Last evaluated: 2022-05-12. Review status: criteria provided, single submitter. Criteria: GeneDx Variant Classification Process June 2021. Collection method: clinical testing. Allele origin: germline. Affected: yes.
Comment: Not observed at significant frequency in large population cohorts (gnomAD); In silico analysis supports that this missense variant does not alter protein structure/function; Has not been previously published as pathogenic or benign to our knowledge